The following is an entry in ClinVar:

NM_000554.6(CRX):c.412A>G (p.Ile138Val)

Gene: CRX (cone-rod homeobox; plus strand). Cytogenetic location: 19q13.33.
Variant type: single nucleotide variant.
Coding change: c.412A>G on transcript NM_000554.6 (MANE Select); coding-DNA position 412, A replaced by G.
Protein change: p.Ile138Val; replaces isoleucine 138 with valine.
Molecular consequence: missense variant.
Genome position (GRCh38, 1-based): chr19:47,839,479, A>G. VCF-style: chr19-47839479-A-G. GRCh37 (hg19) VCF-style: chr19-48342736-A-G.
Other names: c.412A>G (NM_000554.4); short protein forms I138V.
Identifiers: ClinVar variation 1349400 (VCV001349400.9), dbSNP rs373934471, ClinGen allele CA9544487.
Genomic context (GRCh38, chr19:47,839,479, plus strand): 5'-AAGAGGAAGGCGGGCACGTCCCCAAGACCCTCCACAGATGTGTGTCCAGACCCTCTGGGC[A>G]TCTCAGATTCCTACAGTCCCCCTCTGCCCGGCCCCTCAGGCTCCCCAACCACGGCAGTGG-3'
Protein context (NP_000545.1, residues 128-148): STDVCPDPLG[Ile138Val]SDSYSPPLPG

ClinVar aggregate classification (germline): Uncertain significance. Review status: criteria provided, multiple submitters, no conflicts (2 of 4 stars). 2 submissions from 2 submitters: Uncertain significance (2). Last evaluated 2023-11-27.

Conditions:
Inborn genetic diseases. Identifiers: MedGen C0950123, MeSH D030342.
Leber congenital amaurosis 7 (LCA7). Identifiers: Orphanet 65, MedGen C3151192, MONDO:0013449, OMIM 613829.
Cone-rod dystrophy 2 (CORD2). Also called: CONE-ROD RETINAL DYSTROPHY; Cone-rod retinal dystrophy 2. Identifiers: Orphanet 1872, MedGen C3489532, MONDO:0007362, OMIM 120970.

Allele frequency attached by ClinVar (database versions not stated): ExAC 0.00001; gnomAD exomes 0.00001; TOPMed 0.00003; ESP Exome Variant Server 0.00008.

Submissions (2):

Labcorp Genetics (formerly Invitae), Labcorp
Classification: Uncertain significance for Cone-rod dystrophy 2; Leber congenital amaurosis 7. Last evaluated: 2023-11-27. Review status: criteria provided, single submitter. Criteria: Invitae Variant Classification Sherloc (09022015). Collection method: clinical testing. Allele origin: germline.
Comment: This sequence change replaces isoleucine, which is neutral and non-polar, with valine, which is neutral and non-polar, at codon 138 of the CRX protein (p.Ile138Val). This variant is present in population databases (rs373934471, gnomAD 0.01%). This variant has not been reported in the literature in individuals affected with CRX-related conditions. ClinVar contains an entry for this variant (Variation ID: 1349400). Advanced modeling of protein sequence and biophysical properties (such as structural, functional, and spatial information, amino acid conservation, physicochemical variation, residue mobility, and thermodynamic stability) performed at Invitae indicates that this missense variant is not expected to disrupt CRX protein function with a negative predictive value of 80%. In summary, the available evidence is currently insufficient to determine the role of this variant in disease. Therefore, it has been classified as a Variant of Uncertain Significance.

Ambry Genetics
Classification: Uncertain significance for Inborn genetic diseases. Last evaluated: 2021-11-09. Review status: criteria provided, single submitter. Criteria: Ambry Variant Classification Scheme 2023. Collection method: clinical testing. Allele origin: germline.